The following is an entry in ClinVar:

ClinVar aggregate classification (germline): Uncertain significance (1 of 4 stars; one submission).

Conditions:
Inborn genetic diseases. Identifiers: MedGen C0950123, MeSH D030342.

Submission:

Ambry Genetics
Classification: Uncertain significance for Inborn genetic diseases. Last evaluated: 2022-07-24. Review status: criteria provided, single submitter. Criteria: Ambry Variant Classification Scheme 2023. Collection method: clinical testing. Allele origin: germline.
Comment: The p.D957N variant (also known as c.2869G>A), located in coding exon 22 of the LRRK2 gene, results from a G to A substitution at nucleotide position 2869. The aspartic acid at codon 957 is replaced by asparagine, an amino acid with highly similar properties. This amino acid position is conserved. In addition, this alteration is predicted to be tolerated by in silico analysis. Since supporting evidence is limited at this time, the clinical significance of this alteration remains unclear.

NM_198578.4(LRRK2):c.2869G>A (p.Asp957Asn)

Gene: LRRK2 (leucine rich repeat kinase 2; plus strand). Cytogenetic location: 12q12.
Variant type: single nucleotide variant.
Coding change: c.2869G>A on transcript NM_198578.4 (MANE Select); coding-DNA position 2869, G replaced by A.
Protein change: p.Asp957Asn; replaces aspartic acid 957 with asparagine.
Molecular consequence: missense variant.
Genome position (GRCh38, 1-based): chr12:40,294,905, G>A. VCF-style: chr12-40294905-G-A. GRCh37 (hg19) VCF-style: chr12-40688707-G-A.
Other names: short protein forms D957N.
Identifiers: ClinVar variation 1797024 (VCV001797024.2), dbSNP rs764442450, ClinGen allele CA384412329.